The following is an entry in ClinVar:

ClinVar aggregate classification (germline): Uncertain significance (1 of 4 stars; one submission).

gnomAD v4.1: 3 of 1,450,044 alleles (0.00021%); highest among the groups gnomAD compares: Non-Finnish European, 0.00027%; no homozygotes.

Submission:

Labcorp Genetics (formerly Invitae), Labcorp
Classification: Uncertain significance. Last evaluated: 2022-07-12. Review status: criteria provided, single submitter. Criteria: Invitae Variant Classification Sherloc (09022015). Collection method: clinical testing. Allele origin: germline.
Comment: This sequence change replaces alanine, which is neutral and non-polar, with serine, which is neutral and polar, at codon 54 of the ABHD12 protein (p.Ala54Ser). This variant is not present in population databases (gnomAD no frequency). This variant has not been reported in the literature in individuals affected with ABHD12-related conditions. ClinVar contains an entry for this variant (Variation ID: 1503458). Algorithms developed to predict the effect of missense changes on protein structure and function output the following: SIFT: "Tolerated"; PolyPhen-2: "Benign"; Align-GVGD: "Class C0". The serine amino acid residue is found in multiple mammalian species, which suggests that this missense change does not adversely affect protein function. In summary, the available evidence is currently insufficient to determine the role of this variant in disease. Therefore, it has been classified as a Variant of Uncertain Significance.

NM_001042472.3(ABHD12):c.160G>T (p.Ala54Ser)

Gene: ABHD12 (abhydrolase domain containing 12, lysophospholipase; minus strand). Cytogenetic location: 20p11.21.
Variant type: single nucleotide variant.
Coding change: c.160G>T on transcript NM_001042472.3 (MANE Select); coding-DNA position 160, G replaced by T.
Protein change: p.Ala54Ser; replaces alanine 54 with serine.
Molecular consequence: missense variant.
Genome position (GRCh38, 1-based): chr20:25,390,544, C>A on the plus strand (G>T on the coding strand, the complement: ABHD12 is on the minus strand). VCF-style: chr20-25390544-C-A. GRCh37 (hg19) VCF-style: chr20-25371180-C-A.
Other names: c.160G>T, p.Ala54Ser (NM_015600.5); short protein forms A54S.
Identifiers: ClinVar variation 1503458 (VCV001503458.5), dbSNP rs1351511397, ClinGen allele CA408445074.